The following is an entry in ClinVar:

NM_000400.4(ERCC2):c.1026G>A (p.Trp342Ter)

Gene: ERCC2 (ERCC excision repair 2, TFIIH core complex helicase subunit; minus strand). Cytogenetic location: 19q13.32.
Variant type: single nucleotide variant.
Coding change: c.1026G>A on transcript NM_000400.4 (MANE Select); coding-DNA position 1026, G replaced by A.
Protein change: p.Trp342Ter; replaces tryptophan 342 with a stop codon.
Molecular consequence: nonsense. On other transcripts: non-coding transcript variant (3).
Genome position (GRCh38, 1-based): chr19:45,363,835, C>T on the plus strand (G>A on the coding strand, the complement: ERCC2 is on the minus strand). VCF-style: chr19-45363835-C-T. GRCh37 (hg19) VCF-style: chr19-45867093-C-T.
Other names: c.954G>A, p.Trp318Ter (NM_001130867.2, NM_001440355.1); c.948G>A, p.Trp316Ter (NM_001440356.1); c.903G>A, p.Trp301Ter (NM_001440357.1); short protein forms W301*, W316*, W318*, W342*.
Identifiers: ClinVar variation 5013868 (VCV005013868.1).
Genomic context (GRCh38, chr19:45,363,835, plus strand): 5'-GGCCAGGCCGCTCAGGAAGGCGGGCGGGCTCTCCTGCACCACATGCTGCACACGCAGCCG[C>T]CACTTCACGTACTCCAGCAGCCGCCTCAGGAAGCCCAGGAAATGCTCGGCCGTGCGGATG-3'

ClinVar aggregate classification (germline): Pathogenic (1 of 4 stars; one submission).

Conditions:
ERCC2-related disorder. Also called: ERCC2-related conditions; ERCC2-related condition; ERCC2-related disorders. Identifiers: MedGen CN239291.

Submission:

Myriad Genetics, Inc.
Classification: Pathogenic for ERCC2-related disorder. Last evaluated: 2024-12-17. Review status: criteria provided, single submitter. Criteria: Myriad Autosomal Dominant, Autosomal Recessive and X-Linked Classification Criteria (2023). Collection method: clinical testing. Allele origin: unknown.
Comment: NM_000400.3(ERCC2):c.1026G>A(W342*) is expected to be pathogenic in the context of ERCC2-related disorders. This variant is predicted to lead to an abnormal or absent protein product due to the creation of a premature termination codon in ERCC2, a gene where loss-of-function variants are known to be pathogenic. Please note: this variant was assessed in the context of healthy population screening.